The following is an entry in ClinVar:

NM_013335.4(GMPPA):c.630A>T (p.Ser210=)

Genes: ASIC4-AS1 (ASIC4 antisense RNA 1; minus strand), GMPPA (GDP-mannose pyrophosphorylase A; plus strand). Cytogenetic location: 2q35.
Variant type: single nucleotide variant.
Coding change: c.630A>T on transcript NM_013335.4 (MANE Select); coding-DNA position 630, A replaced by T.
Protein change: p.Ser210=; no amino-acid change (serine 210 retained).
Molecular consequence: synonymous variant.
Genome position (GRCh38, 1-based): chr2:219,505,237, A>T. VCF-style: chr2-219505237-A-T. GRCh37 (hg19) VCF-style: chr2-220369959-A-T.
Other names: c.630A>T, p.Ser210= (NM_001374294.1, NM_001374295.1, NM_205847.3).
Identifiers: ClinVar variation 2066849 (VCV002066849.5), dbSNP rs189891822, ClinGen allele CA2128259.

ClinVar aggregate classification (germline): Likely benign. Review status: criteria provided, multiple submitters, no conflicts (2 of 4 stars). 2 submissions from 2 submitters: Likely benign (2). Last evaluated 2026-08-01.

Conditions:
Alacrima, achalasia, and impaired intellectual development syndrome. Also called: Alacrima, achalasia, and intellectual disability syndrome; Alacrima, achalasia, and mental retardation syndrome. Identifiers: Orphanet 869, MedGen C4706563, MONDO:0014219, OMIM 615510.

Allele frequency attached by ClinVar (database versions not stated): gnomAD exomes 0.00001; gnomAD 0.00003; ExAC 0.00005; TOPMed 0.00005; 1000 Genomes Project 0.00020; 1000 Genomes Project 30x 0.00031.
gnomAD v4.1: 23 of 1,613,918 alleles (0.0014%); highest among the groups gnomAD compares: Admixed American, 0.035%; no homozygotes.

Submissions (2):

CeGaT Center for Human Genetics Tuebingen
Classification: Likely benign. Last evaluated: 2026-08-01. Review status: criteria provided, single submitter. Criteria: CeGaT Center For Human Genetics Tuebingen Variant Classification Criteria Version 2. Collection method: clinical testing. Allele origin: germline. Affected: yes. Observed: 1 variant allele.
Comment: GMPPA: BP4, BP7

Labcorp Genetics (formerly Invitae), Labcorp
Classification: Likely benign for Alacrima, achalasia, and impaired intellectual development syndrome. Last evaluated: 2022-05-31. Review status: criteria provided, single submitter. Criteria: Invitae Variant Classification Sherloc (09022015). Collection method: clinical testing. Allele origin: germline.